The following is an entry in ClinVar:

ClinVar aggregate classification (germline): Uncertain significance (1 of 4 stars; one submission).

gnomAD v4.1: 1 of 1,613,572 alleles (0.000062%); highest among the groups gnomAD compares: Non-Finnish European, 0.000085%; no homozygotes.

Submission:

Labcorp Genetics (formerly Invitae), Labcorp
Classification: Uncertain significance. Last evaluated: 2024-08-31. Review status: criteria provided, single submitter. Criteria: Invitae Variant Classification Sherloc (09022015). Collection method: clinical testing. Allele origin: germline.
Comment: This sequence change replaces glutamic acid, which is acidic and polar, with aspartic acid, which is acidic and polar, at codon 369 of the MICAL1 protein (p.Glu369Asp). This variant is not present in population databases (gnomAD no frequency). This variant has not been reported in the literature in individuals affected with MICAL1-related conditions. An algorithm developed to predict the effect of missense changes on protein structure and function outputs the following: PolyPhen-2: "Benign". The aspartic acid amino acid residue is found in multiple mammalian species, which suggests that this missense change does not adversely affect protein function. In summary, the available evidence is currently insufficient to determine the role of this variant in disease. Therefore, it has been classified as a Variant of Uncertain Significance.

NM_022765.4(MICAL1):c.1050G>T (p.Glu350Asp)

Gene: MICAL1 (microtubule associated monooxygenase, calponin and LIM domain containing 1; minus strand). Cytogenetic location: 6q21.
Variant type: single nucleotide variant.
Coding change: c.1050G>T on transcript NM_022765.4 (MANE Select); coding-DNA position 1050, G replaced by T.
Protein change: p.Glu350Asp; replaces glutamic acid 350 with aspartic acid.
Molecular consequence: missense variant. On other transcripts: intron variant (1).
Genome position (GRCh38, 1-based): chr6:109,450,441, C>A on the plus strand (G>T on the coding strand, the complement: MICAL1 is on the minus strand). VCF-style: chr6-109450441-C-A. GRCh37 (hg19) VCF-style: chr6-109771644-C-A.
Other names: c.1107G>T, p.Glu369Asp (NM_001286613.2); c.934-356G>T (NM_001159291.2); short protein forms E369D, E350D.
Identifiers: ClinVar variation 3663454 (VCV003663454.2).